The following is an entry in ClinVar:

ClinVar aggregate classification (germline): Uncertain significance (1 of 4 stars; one submission).

Allele frequency attached by ClinVar (database versions not stated): TOPMed below 0.00001; ExAC 0.00001; gnomAD 0.00001; 1000 Genomes Project 30x 0.00016; 1000 Genomes Project 0.00020.
gnomAD v4.1: 2 of 1,614,138 alleles (0.00012%); highest among the groups gnomAD compares: Admixed American, 0.0033%; no homozygotes.

Submission:

Labcorp Genetics (formerly Invitae), Labcorp
Classification: Uncertain significance. Last evaluated: 2025-09-27. Review status: criteria provided, single submitter. Criteria: Invitae Variant Classification Sherloc (09022015). Collection method: clinical testing. Allele origin: germline.
Comment: This sequence change replaces glutamic acid, which is acidic and polar, with lysine, which is basic and polar, at codon 1016 of the MICAL1 protein (p.Glu1016Lys). This variant is present in population databases (rs561895552, gnomAD 0.003%). This variant has not been reported in the literature in individuals affected with MICAL1-related conditions. ClinVar contains an entry for this variant (Variation ID: 2713482). An algorithm developed to predict the effect of missense changes on protein structure and function (PolyPhen-2) suggests that this variant is likely to be disruptive. In summary, the available evidence is currently insufficient to determine the role of this variant in disease. Therefore, it has been classified as a Variant of Uncertain Significance.

NM_022765.4(MICAL1):c.2989G>A (p.Glu997Lys)

Gene: MICAL1 (microtubule associated monooxygenase, calponin and LIM domain containing 1; minus strand). Cytogenetic location: 6q21.
Variant type: single nucleotide variant.
Coding change: c.2989G>A on transcript NM_022765.4 (MANE Select); coding-DNA position 2989, G replaced by A.
Protein change: p.Glu997Lys; replaces glutamic acid 997 with lysine.
Molecular consequence: missense variant.
Genome position (GRCh38, 1-based): chr6:109,444,791, C>T on the plus strand (G>A on the coding strand, the complement: MICAL1 is on the minus strand). VCF-style: chr6-109444791-C-T. GRCh37 (hg19) VCF-style: chr6-109765994-C-T.
Other names: c.2731G>A, p.Glu911Lys (NM_001159291.2); c.3046G>A, p.Glu1016Lys (NM_001286613.2); short protein forms E997K, E1016K, E911K.
Identifiers: ClinVar variation 2713482 (VCV002713482.3), dbSNP rs561895552, ClinGen allele CA3952675.